The following is an entry in ClinVar:

ClinVar aggregate classification (germline): Uncertain significance (1 of 4 stars; one submission).

Conditions:
Myofibrillar myopathy 5. Also called: FILAMINOPATHY, AUTOSOMAL DOMINANT; Filaminopathy (type). Identifiers: Orphanet 171445, MedGen C1836050, MONDO:0012289, OMIM 609524.
Hypertrophic cardiomyopathy 26. Also called: Cardiomyopathy, familial hypertrophic, 26. Identifiers: Orphanet 75249, MedGen C4310749, MONDO:0014883, OMIM 617047.
Distal myopathy with posterior leg and anterior hand involvement. Also called: WILLIAMS DISTAL MYOPATHY. Identifiers: Orphanet 63273, MedGen C3279722, MONDO:0013550, OMIM 614065.

Submission:

Labcorp Genetics (formerly Invitae), Labcorp
Classification: Uncertain significance for Distal myopathy with posterior leg and anterior hand involvement; Myofibrillar myopathy 5; Hypertrophic cardiomyopathy 26. Last evaluated: 2023-06-17. Review status: criteria provided, single submitter. Criteria: Invitae Variant Classification Sherloc (09022015). Collection method: clinical testing. Allele origin: germline.
Comment: In summary, the available evidence is currently insufficient to determine the role of this variant in disease. Therefore, it has been classified as a Variant of Uncertain Significance. Advanced modeling of protein sequence and biophysical properties (such as structural, functional, and spatial information, amino acid conservation, physicochemical variation, residue mobility, and thermodynamic stability) has been performed at Invitae for this missense variant, however the output from this modeling did not meet the statistical confidence thresholds required to predict the impact of this variant on FLNC protein function. This variant has not been reported in the literature in individuals affected with FLNC-related conditions. This variant is not present in population databases (gnomAD no frequency). This sequence change replaces glycine, which is neutral and non-polar, with serine, which is neutral and polar, at codon 488 of the FLNC protein (p.Gly488Ser).

NM_001458.5(FLNC):c.1462G>A (p.Gly488Ser)

Gene: FLNC (filamin C; plus strand). Cytogenetic location: 7q32.1.
Variant type: single nucleotide variant.
Coding change: c.1462G>A on transcript NM_001458.5 (MANE Select); coding-DNA position 1462, G replaced by A.
Protein change: p.Gly488Ser; replaces glycine 488 with serine.
Molecular consequence: missense variant.
Genome position (GRCh38, 1-based): chr7:128,840,073, G>A. VCF-style: chr7-128840073-G-A. GRCh37 (hg19) VCF-style: chr7-128480127-G-A.
Other names: c.1462G>A, p.Gly488Ser (NM_001127487.2); short protein forms G488S.
Identifiers: ClinVar variation 2922629 (VCV002922629.3), dbSNP rs1808265501, ClinGen allele CA369225590.